The following is an entry in ClinVar:

ClinVar aggregate classification (germline): Uncertain significance. Review status: criteria provided, multiple submitters, no conflicts (2 of 4 stars). 2 submissions from 2 submitters: Uncertain significance (2). Last evaluated 2022-08-23.

Conditions:
Inborn genetic diseases. Identifiers: MedGen C0950123, MeSH D030342.
Combined oxidative phosphorylation defect type 27. Also called: Combined oxidative phosphorylation deficiency 27. Identifiers: Orphanet 477774, MedGen C5567608, MONDO:0014728, OMIM 616672.

Allele frequency attached by ClinVar (database versions not stated): gnomAD exomes below 0.00001; gnomAD 0.00001.
gnomAD v4.1: 3 of 1,613,974 alleles (0.00019%); highest among the groups gnomAD compares: African/African-American, 0.0027%; no homozygotes.

Submissions (2):

Labcorp Genetics (formerly Invitae), Labcorp
Classification: Uncertain significance for Combined oxidative phosphorylation defect type 27. Last evaluated: 2022-08-23. Review status: criteria provided, single submitter. Criteria: Invitae Variant Classification Sherloc (09022015). Collection method: clinical testing. Allele origin: germline.
Comment: This sequence change replaces glycine, which is neutral and non-polar, with aspartic acid, which is acidic and polar, at codon 451 of the CARS2 protein (p.Gly451Asp). This variant is present in population databases (no rsID available, gnomAD 0.007%). This variant has not been reported in the literature in individuals affected with CARS2-related conditions. ClinVar contains an entry for this variant (Variation ID: 1521330). Algorithms developed to predict the effect of missense changes on protein structure and function are either unavailable or do not agree on the potential impact of this missense change (SIFT: "Tolerated"; PolyPhen-2: "Probably Damaging"; Align-GVGD: "Class C0"). In summary, the available evidence is currently insufficient to determine the role of this variant in disease. Therefore, it has been classified as a Variant of Uncertain Significance.

Ambry Genetics
Classification: Uncertain significance for Inborn genetic diseases. Last evaluated: 2021-10-12. Review status: criteria provided, single submitter. Criteria: Ambry Variant Classification Scheme 2023. Collection method: clinical testing. Allele origin: germline.

NM_024537.4(CARS2):c.1352G>A (p.Gly451Asp)

Gene: CARS2 (cysteinyl-tRNA synthetase 2, mitochondrial; minus strand). Cytogenetic location: 13q34.
Variant type: single nucleotide variant.
Coding change: c.1352G>A on transcript NM_024537.4 (MANE Select); coding-DNA position 1352, G replaced by A.
Protein change: p.Gly451Asp; replaces glycine 451 with aspartic acid.
Molecular consequence: missense variant. On other transcripts: non-coding transcript variant (2).
Genome position (GRCh38, 1-based): chr13:110,644,449, C>T on the plus strand (G>A on the coding strand, the complement: CARS2 is on the minus strand). VCF-style: chr13-110644449-C-T. GRCh37 (hg19) VCF-style: chr13-111296796-C-T.
Other names: c.566G>A, p.Gly189Asp (NM_001352252.2); c.1352G>A (NM_024537.2); short protein forms G189D, G451D.
Identifiers: ClinVar variation 1521330 (VCV001521330.8), dbSNP rs1328163225, ClinGen allele CA388741975.
Genomic context (GRCh38, chr13:110,644,449, plus strand): 5'-TGATTTGCCAGAGAAATTCCAACAGTTTCAAAAAACTGTTCAAAGTAAGAGATGATGGCA[C>T]CAAACACAGCAGGACTTCTCGGCCCTTCAGGTTCCTGTAAGAGATCATGTCGCAGAAGCT-3'
Protein context (NP_078813.1, residues 441-461): PEGPRSPAVF[Gly451Asp]AIISYFEQFF